The following is an entry in ClinVar:

ClinVar aggregate classification (germline): Uncertain significance. Review status: criteria provided, multiple submitters, no conflicts (2 of 4 stars). 4 submissions from 4 submitters: Uncertain significance (4). Last evaluated 2025-01-02.

Conditions:
CYP7B1-related disorder. Also called: CYP7B1-related condition.
Inborn genetic diseases. Identifiers: MedGen C0950123, MeSH D030342.
Spastic paraplegia. Identifiers: MedGen C0037772, HP:0001258.

Allele frequency attached by ClinVar (database versions not stated): gnomAD 0.00007 and 0.00008; gnomAD exomes 0.00008 and 0.00012; TOPMed 0.00008; ExAC 0.00013.
gnomAD v4.1: 112 of 1,471,430 alleles (0.0076%); highest among the groups gnomAD compares: Non-Finnish European, 0.0088%; 1 homozygote.

Submissions (4):

PreventionGenetics, part of Exact Sciences
Classification: Uncertain significance for CYP7B1-related condition. Last evaluated: 2025-01-02. Review status: criteria provided, single submitter. Criteria: ACMG Guidelines, 2015. Collection method: clinical testing. Allele origin: germline.
Comment: The CYP7B1 c.11A>T variant is predicted to result in the amino acid substitution p.Glu4Val. To our knowledge, this variant has not been reported in the literature. This variant is reported in 0.026% of alleles in individuals of European (Finnish) descent in gnomAD. At this time, the clinical significance of this variant is uncertain due to the absence of conclusive functional and genetic evidence.

Labcorp Genetics (formerly Invitae), Labcorp
Classification: Uncertain significance for Spastic paraplegia. Last evaluated: 2024-12-16. Review status: criteria provided, single submitter. Criteria: Invitae Variant Classification Sherloc (09022015). Collection method: clinical testing. Allele origin: germline.
Comment: This sequence change replaces glutamic acid, which is acidic and polar, with valine, which is neutral and non-polar, at codon 4 of the CYP7B1 protein (p.Glu4Val). This variant is present in population databases (rs754875085, gnomAD 0.03%). This variant has not been reported in the literature in individuals affected with CYP7B1-related conditions. ClinVar contains an entry for this variant (Variation ID: 1026622). Invitae Evidence Modeling of protein sequence and biophysical properties (such as structural, functional, and spatial information, amino acid conservation, physicochemical variation, residue mobility, and thermodynamic stability) indicates that this missense variant is not expected to disrupt CYP7B1 protein function with a negative predictive value of 95%. In summary, the available evidence is currently insufficient to determine the role of this variant in disease. Therefore, it has been classified as a Variant of Uncertain Significance.

Mayo Clinic Laboratories, Mayo Clinic
Classification: Uncertain significance. Last evaluated: 2024-04-24. Review status: criteria provided, single submitter. Criteria: ACMG Guidelines, 2015. Collection method: clinical testing. Allele origin: germline. Observed: 1 variant allele.
Comment: BP4

Ambry Genetics
Classification: Uncertain significance for Inborn genetic diseases. Last evaluated: 2023-12-14. Review status: criteria provided, single submitter. Criteria: Ambry Variant Classification Scheme 2023. Collection method: clinical testing. Allele origin: germline.

NM_004820.5(CYP7B1):c.11A>T (p.Glu4Val)

Genes: CYP7B1 (cytochrome P450 family 7 subfamily B member 1; minus strand), LOC130000507 (ATAC-STARR-seq lymphoblastoid silent region 19243; plus strand). Cytogenetic location: 8q12.3.
Variant type: single nucleotide variant.
Coding change: c.11A>T on transcript NM_004820.5 (MANE Select); coding-DNA position 11, A replaced by T.
Protein change: p.Glu4Val; replaces glutamic acid 4 with valine.
Molecular consequence: missense variant.
Genome position (GRCh38, 1-based): chr8:64,798,577, T>A on the plus strand (A>T on the coding strand, the complement: CYP7B1 is on the minus strand). VCF-style: chr8-64798577-T-A. GRCh37 (hg19) VCF-style: chr8-65711134-T-A.
Other names: p.Glu4Val; c.11A>T (NM_004820.4, NM_004820.3); c.11A>T, p.Glu4Val (NM_001324112.2); short protein forms E4V.
Identifiers: ClinVar variation 1026622 (VCV001026622.8), dbSNP rs754875085, ClinGen allele CA4764313.
Genomic context (GRCh38, chr8:64,798,577, plus strand): 5'-AGGGCCAGGCCCGGGAGGCCCAACCGCTCCAGCGAAAAGCGGCCCGTGGCCGCGGACACT[T>A]CTCCTGCCATCCGGCGCGCGCTAGGCCGCGGTGGGCAGCCCGGGGTCTGCCTGCGAACAG-3'
Protein context (NP_004811.1, residues 1-14): MAG[Glu4Val]VSAATGRFSL